The following is an entry in ClinVar:

NM_001382430.1(AKT1):c.914C>A (p.Thr305Asn)

Gene: AKT1 (AKT serine/threonine kinase 1; minus strand). Cytogenetic location: 14q32.33.
Variant type: single nucleotide variant.
Coding change: c.914C>A on transcript NM_001382430.1 (MANE Select); coding-DNA position 914, C replaced by A.
Protein change: p.Thr305Asn; replaces threonine 305 with asparagine.
Molecular consequence: missense variant.
Genome position (GRCh38, 1-based): chr14:104,773,294, G>T on the plus strand (C>A on the coding strand, the complement: AKT1 is on the minus strand). VCF-style: chr14-104773294-G-T. GRCh37 (hg19) VCF-style: chr14-105239631-G-T.
Other names: c.914C>A, p.Thr305Asn (NM_001014431.2, NM_001014432.2, NM_001382431.1 and 3 more transcripts); short protein forms T305N.
Identifiers: ClinVar variation 4573918 (VCV004573918.1).

ClinVar aggregate classification (germline): Uncertain significance (1 of 4 stars; one submission).

Conditions:
Inborn genetic diseases. Identifiers: MedGen C0950123, MeSH D030342.

Submission:

Ambry Genetics
Classification: Uncertain significance for Inborn genetic diseases. Last evaluated: 2025-09-17. Review status: criteria provided, single submitter. Criteria: Ambry Variant Classification Scheme 2023. Collection method: clinical testing. Allele origin: germline.
Comment: The p.T305N variant (also known as c.914C>A), located in coding exon 9 of the AKT1 gene, results from a C to A substitution at nucleotide position 914. The threonine at codon 305 is replaced by asparagine, an amino acid with similar properties. This amino acid position is conserved. In addition, this alteration is predicted to be tolerated by in silico analysis. Based on the available evidence, the clinical significance of this variant remains unclear.